The following is an entry in ClinVar:

NM_005732.4(RAD50):c.2594G>T (p.Ser865Ile)

Gene: RAD50 (RAD50 double strand break repair protein; plus strand). Cytogenetic location: 5q31.1.
Variant type: single nucleotide variant.
Coding change: c.2594G>T on transcript NM_005732.4 (MANE Select); coding-DNA position 2594, G replaced by T.
Protein change: p.Ser865Ile; replaces serine 865 with isoleucine.
Molecular consequence: missense variant.
Genome position (GRCh38, 1-based): chr5:132,604,875, G>T. VCF-style: chr5-132604875-G-T. GRCh37 (hg19) VCF-style: chr5-131940567-G-T.
Other names: short protein forms S865I.
Identifiers: ClinVar variation 484682 (VCV000484682.10), dbSNP rs1444790340, ClinGen allele CA360956486.

ClinVar aggregate classification (germline): Uncertain significance. Review status: criteria provided, multiple submitters, no conflicts (2 of 4 stars). 2 submissions from 2 submitters: Uncertain significance (2). Last evaluated 2022-07-31.

Conditions:
Hereditary cancer-predisposing syndrome. Also called: Neoplastic Syndromes, Hereditary; Tumor predisposition; Hereditary Cancer Syndrome; Hereditary neoplastic syndrome. Identifiers: Orphanet 140162, MedGen C0027672, MeSH D009386, MONDO:0015356.

gnomAD v4.1: 1 of 1,613,702 alleles (0.000062%); no homozygotes.

Submissions (2):

Labcorp Genetics (formerly Invitae), Labcorp
Classification: Uncertain significance for Hereditary cancer-predisposing syndrome. Last evaluated: 2022-07-31. Review status: criteria provided, single submitter. Criteria: Invitae Variant Classification Sherloc (09022015). Collection method: clinical testing. Allele origin: germline.
Comment: In summary, the available evidence is currently insufficient to determine the role of this variant in disease. Therefore, it has been classified as a Variant of Uncertain Significance. Algorithms developed to predict the effect of missense changes on protein structure and function are either unavailable or do not agree on the potential impact of this missense change (SIFT: "Deleterious"; PolyPhen-2: "Possibly Damaging"; Align-GVGD: "Class C0"). ClinVar contains an entry for this variant (Variation ID: 484682). This variant has not been reported in the literature in individuals affected with RAD50-related conditions. This variant is not present in population databases (gnomAD no frequency). This sequence change replaces serine, which is neutral and polar, with isoleucine, which is neutral and non-polar, at codon 865 of the RAD50 protein (p.Ser865Ile).

Ambry Genetics
Classification: Uncertain significance for Hereditary cancer-predisposing syndrome. Last evaluated: 2020-05-08. Review status: criteria provided, single submitter. Criteria: Ambry Variant Classification Scheme 2023. Collection method: clinical testing. Allele origin: germline.
Comment: The p.S865I variant (also known as c.2594G>T), located in coding exon 16 of the RAD50 gene, results from a G to T substitution at nucleotide position 2594. The serine at codon 865 is replaced by isoleucine, an amino acid with dissimilar properties. This amino acid position is highly conserved in available vertebrate species. In addition, the in silico prediction for this alteration is inconclusive. Since supporting evidence is limited at this time, the clinical significance of this alteration remains unclear.